The following is an entry in ClinVar:

ClinVar aggregate classification (germline): Uncertain significance. Review status: criteria provided, multiple submitters, no conflicts (2 of 4 stars). 3 submissions from 3 submitters: Uncertain significance (3). Last evaluated 2024-06-03.

Conditions:
Hereditary cancer-predisposing syndrome. Also called: Neoplastic Syndromes, Hereditary; Tumor predisposition; Hereditary neoplastic syndrome; Hereditary Cancer Syndrome. Identifiers: Orphanet 140162, MedGen C0027672, MeSH D009386, MONDO:0015356.
Hereditary nonpolyposis colorectal neoplasms. Identifiers: MedGen C0009405, MeSH D003123.

Submissions (3):

Color Diagnostics, LLC DBA Color Health
Classification: Uncertain significance for Hereditary cancer-predisposing syndrome. Last evaluated: 2024-06-03. Review status: criteria provided, single submitter. Criteria: ACMG Guidelines, 2015. Collection method: clinical testing. Allele origin: germline.
Comment: This missense variant replaces leucine with valine at codon 266 of the PMS2 protein. Computational prediction suggests that this variant may not impact protein structure and function (internally defined REVEL score threshold <= 0.5, PMID: 27666373). To our knowledge, functional studies have not been reported for this variant. This variant has not been reported in individuals affected with PMS2-related disorders in the literature. This variant has not been identified in the general population by the Genome Aggregation Database (gnomAD). The available evidence is insufficient to determine the role of this variant in disease conclusively. Therefore, this variant is classified as a Variant of Uncertain Significance.

Ambry Genetics
Classification: Uncertain significance for Hereditary cancer-predisposing syndrome. Last evaluated: 2022-08-22. Review status: criteria provided, single submitter. Criteria: Ambry Variant Classification Scheme 2023. Collection method: clinical testing. Allele origin: germline.
Comment: The p.L266V variant (also known as c.796C>G), located in coding exon 7 of the PMS2 gene, results from a C to G substitution at nucleotide position 796. The leucine at codon 266 is replaced by valine, an amino acid with highly similar properties. This amino acid position is not well conserved in available vertebrate species. In addition, the in silico prediction for this alteration is inconclusive. Since supporting evidence is limited at this time, the clinical significance of this alteration remains unclear.

Labcorp Genetics (formerly Invitae), Labcorp
Classification: Uncertain significance for Hereditary nonpolyposis colorectal neoplasms. Last evaluated: 2020-06-23. Review status: criteria provided, single submitter. Criteria: Invitae Variant Classification Sherloc (09022015). Collection method: clinical testing. Allele origin: germline.
Comment: This sequence change replaces leucine with valine at codon 266 of the PMS2 protein (p.Leu266Val). The leucine residue is moderately conserved and there is a small physicochemical difference between leucine and valine. This variant is not present in population databases (ExAC no frequency). This variant has not been reported in the literature in individuals with PMS2-related conditions. ClinVar contains an entry for this variant (Variation ID: 827368). Algorithms developed to predict the effect of missense changes on protein structure and function (SIFT, PolyPhen-2, Align-GVGD) all suggest that this variant is likely to be tolerated, but these predictions have not been confirmed by published functional studies and their clinical significance is uncertain. In summary, the available evidence is currently insufficient to determine the role of this variant in disease. Therefore, it has been classified as a Variant of Uncertain Significance.

NM_000535.7(PMS2):c.796C>G (p.Leu266Val)

Gene: PMS2 (PMS1 homolog 2, mismatch repair system component; minus strand). Cytogenetic location: 7p22.1.
Variant type: single nucleotide variant.
Coding change: c.796C>G on transcript NM_000535.7 (MANE Select); coding-DNA position 796, C replaced by G.
Protein change: p.Leu266Val; replaces leucine 266 with valine.
Molecular consequence: missense variant. On other transcripts: 5 prime UTR variant (2), non-coding transcript variant (1).
Genome position (GRCh38, 1-based): chr7:5,997,333, G>C on the plus strand (C>G on the coding strand, the complement: PMS2 is on the minus strand). VCF-style: chr7-5997333-G-C. GRCh37 (hg19) VCF-style: chr7-6036964-G-C.
Other names: c.391C>G, p.Leu131Val (NM_001322003.2, NM_001322004.2, NM_001322005.2 and 2 more transcripts); c.796C>G, p.Leu266Val (NM_001322006.2, NM_001322014.2); c.478C>G, p.Leu160Val (NM_001322007.2, NM_001322008.2); c.-138C>G (NM_001322011.2, NM_001322012.2); c.223C>G, p.Leu75Val (NM_001322013.2); c.487C>G, p.Leu163Val (NM_001322015.2); short protein forms L266V, L75V, L160V, L163V, L131V.
Identifiers: ClinVar variation 827368 (VCV000827368.14), dbSNP rs1583373747, ClinGen allele CA366743616.